The following is an entry in ClinVar:

NM_182914.3(SYNE2):c.16589A>G (p.Asn5530Ser)

Gene: SYNE2 (spectrin repeat containing nuclear envelope protein 2; plus strand). Cytogenetic location: 14q23.2.
Variant type: single nucleotide variant.
Coding change: c.16589A>G on transcript NM_182914.3 (MANE Select); coding-DNA position 16589, A replaced by G.
Protein change: p.Asn5530Ser; replaces asparagine 5530 with serine.
Molecular consequence: missense variant.
Genome position (GRCh38, 1-based): chr14:64,165,394, A>G. VCF-style: chr14-64165394-A-G. GRCh37 (hg19) VCF-style: chr14-64632112-A-G.
Other names: c.16589A>G, p.Asn5530Ser (NM_015180.6); c.16589A>G (NM_182914.2); short protein forms N5530S.
Identifiers: ClinVar variation 1501681 (VCV001501681.9), dbSNP rs1040531942, ClinGen allele CA261829299.

ClinVar aggregate classification (germline): Uncertain significance. Review status: criteria provided, multiple submitters, no conflicts (2 of 4 stars). 2 submissions from 2 submitters: Uncertain significance (2). Last evaluated 2024-05-23.

Conditions:
Emery-Dreifuss muscular dystrophy 5, autosomal dominant (EDMD5). Also called: EMERY-DREIFUSS MUSCULAR DYSTROPHY 5. Identifiers: Orphanet 261, MedGen C2751805, MONDO:0013072, OMIM 612999.

gnomAD v4.1: 7 of 1,613,854 alleles (0.00043%); no homozygotes.

Submissions (2):

Ambry Genetics
Classification: Uncertain significance. Last evaluated: 2024-05-23. Review status: criteria provided, single submitter. Criteria: Ambry Variant Classification Scheme 2023. Collection method: clinical testing. Allele origin: germline.

Labcorp Genetics (formerly Invitae), Labcorp
Classification: Uncertain significance for Emery-Dreifuss muscular dystrophy 5, autosomal dominant. Last evaluated: 2020-12-12. Review status: criteria provided, single submitter. Criteria: Invitae Variant Classification Sherloc (09022015). Collection method: clinical testing. Allele origin: germline.
Comment: This sequence change replaces asparagine with serine at codon 5530 of the SYNE2 protein (p.Asn5530Ser). The asparagine residue is moderately conserved and there is a small physicochemical difference between asparagine and serine. This variant is not present in population databases (ExAC no frequency). This variant has not been reported in the literature in individuals with SYNE2-related conditions. Algorithms developed to predict the effect of missense changes on protein structure and function (SIFT, PolyPhen-2, Align-GVGD) all suggest that this variant is likely to be tolerated, but these predictions have not been confirmed by published functional studies and their clinical significance is uncertain. In summary, the available evidence is currently insufficient to determine the role of this variant in disease. Therefore, it has been classified as a Variant of Uncertain Significance.